The following is an entry in ClinVar:

NM_007294.4(BRCA1):c.4973C>T (p.Thr1658Ile)

Gene: BRCA1 (BRCA1 DNA repair associated; minus strand). Cytogenetic location: 17q21.31.
Variant type: single nucleotide variant.
Coding change: c.4973C>T on transcript NM_007294.4 (MANE Select); coding-DNA position 4973, C replaced by T.
Protein change: p.Thr1658Ile; replaces threonine 1658 with isoleucine.
Molecular consequence: missense variant. On other transcripts: non-coding transcript variant (1).
Genome position (GRCh38, 1-based): chr17:43,070,941, G>A on the plus strand (C>T on the coding strand, the complement: BRCA1 is on the minus strand). VCF-style: chr17-43070941-G-A. GRCh37 (hg19) VCF-style: chr17-41222958-G-A.
Other names: c.1661C>T, p.Thr554Ile (NM_001407990.1, NM_001407991.1, NM_001408472.1 and 13 more transcripts); c.1658C>T, p.Thr553Ile (NM_001408403.1, NM_001408404.1, NM_001408392.1 and 8 more transcripts); c.1655C>T, p.Thr552Ile (NM_001408406.1, NM_001408407.1, NM_001408408.1); c.1652C>T, p.Thr551Ile (NM_001408409.1); c.1589C>T, p.Thr530Ile (NM_001408410.1); c.1586C>T, p.Thr529Ile (NM_001408411.1); c.1583C>T, p.Thr528Ile (NM_001408412.1, NM_001408413.1, NM_001408414.1 and 2 more transcripts); c.1544C>T, p.Thr515Ile (NM_001408424.1, NM_001408421.1, NM_001408422.1 and 1 more transcripts); and 71 more; short protein forms T1611I, T1658I, T1679I, T554I, T1531I, T1547I, T1587I, T1609I.
Identifiers: ClinVar variation 1365368 (VCV001365368.13), dbSNP rs1015073230, ClinGen allele CA10591579.

ClinVar aggregate classification (germline): Uncertain significance. Review status: criteria provided, multiple submitters, no conflicts (2 of 4 stars). 5 submissions from 5 submitters: Uncertain significance (5). Last evaluated 2025-11-05.

Conditions:
Breast-ovarian cancer, familial, susceptibility to, 1 (BROVCA1). Also called: OVARIAN CANCER, SUSCEPTIBILITY TO; BRCA1 Hereditary Breast and Ovarian Cancer. Identifiers: Orphanet 145, MedGen C2676676, MONDO:0011450, OMIM 604370. Disease mechanism: loss of function.
Hereditary breast ovarian cancer syndrome. Also called: Hereditary breast and ovarian cancer; Hereditary breast and/or ovarian cancer syndrome; Breast and ovarian cancer; BRCA1- and BRCA2-Associated Hereditary Breast and Ovarian Cancer; Hereditary breast and ovarian cancer syndrome (HBOC); Hereditary breast and ovarian cancer syndrome. Identifiers: Orphanet 145, MedGen C0677776, MeSH D061325, MONDO:0003582. Disease mechanism: loss of function.
Hereditary cancer-predisposing syndrome. Also called: Tumor predisposition; Hereditary Cancer Syndrome; Hereditary neoplastic syndrome; Neoplastic Syndromes, Hereditary. Identifiers: Orphanet 140162, MedGen C0027672, MeSH D009386, MONDO:0015356.

Submissions (5):

Labcorp Genetics (formerly Invitae), Labcorp
Classification: Uncertain significance for Hereditary breast ovarian cancer syndrome. Last evaluated: 2025-11-05. Review status: criteria provided, single submitter. Criteria: Invitae Variant Classification Sherloc (09022015). Collection method: clinical testing. Allele origin: germline.
Comment: This sequence change replaces threonine, which is neutral and polar, with isoleucine, which is neutral and non-polar, at codon 1658 of the BRCA1 protein (p.Thr1658Ile). This variant is not present in population databases (gnomAD no frequency). This variant has not been reported in the literature in individuals affected with BRCA1-related conditions. ClinVar contains an entry for this variant (Variation ID: 1365368). Invitae Evidence Modeling of protein sequence and biophysical properties (such as structural, functional, and spatial information, amino acid conservation, physicochemical variation, residue mobility, and thermodynamic stability) indicates that this missense variant is not expected to disrupt BRCA1 protein function with a negative predictive value of 95%. In summary, the available evidence is currently insufficient to determine the role of this variant in disease. Therefore, it has been classified as a Variant of Uncertain Significance.

Ambry Genetics
Classification: Uncertain significance for Hereditary cancer-predisposing syndrome. Last evaluated: 2025-05-29. Review status: criteria provided, single submitter. Criteria: Ambry Variant Classification Scheme 2023. Collection method: clinical testing. Allele origin: germline.
Comment: The p.T1658I variant (also known as c.4973C>T), located in coding exon 14 of the BRCA1 gene, results from a C to T substitution at nucleotide position 4973. The threonine at codon 1658 is replaced by isoleucine, an amino acid with similar properties. This variant was functional in homology directed repair and cisplatin resistance protein functional assays (Adamovich AI et al. Am J Hum Genet, 2022 Apr;109:618-630). This amino acid position is highly conserved in available vertebrate species. In addition, this alteration is predicted to be deleterious by in silico analysis. Based on the available evidence, the clinical significance of this variant remains unclear.

KCCC/NGS Laboratory, Kuwait Cancer Control Center
Classification: Uncertain significance for Breast-ovarian cancer, familial, susceptibility to, 1. Last evaluated: 2024-10-08. Review status: criteria provided, single submitter. Criteria: ACMG Guidelines, 2015. Collection method: clinical testing. Allele origin: germline. Inheritance: Autosomal dominant inheritance. Affected: yes. Observed: 1 heterozygote.
Comment: This sequence change replaces threonine, which is neutral and polar, with isoleucine, which is neutral and non-polar, at codon 1658 of the BRCA1 protein (p.Thr1658Ile). This variant has not been reported in the literature in individuals affected with BRCA1-related conditions. This variant is not present in population databases (gnomAD no frequency).ClinVar contains an entry for this variant (Variation ID: 1365368). Computational prediction suggests that this variant may have deleterious impact on protein structure and function. In summary, the available evidence is currently insufficient to determine the role of this variant in disease. Therefore, it has been classified as a Variant of Uncertain Significance.

All of Us Research Program, National Institutes of Health
Classification: Uncertain significance for Breast-ovarian cancer, familial, susceptibility to, 1. Last evaluated: 2023-06-26. Review status: criteria provided, single submitter. Criteria: ACMG Guidelines, 2015. Collection method: clinical testing. Allele origin: germline. Inheritance: Autosomal dominant inheritance. Observed: 1 variant allele, 1 heterozygote.
Comment: This missense variant replaces threonine with isoleucine at codon 1658 of the BRCA1 protein. Computational prediction suggests that this variant may have deleterious impact on protein structure and function (internally defined REVEL score threshold >= 0.7, PMID: 27666373). To our knowledge, functional studies have not been reported for this variant. This variant has not been reported in individuals affected with BRCA1-related disorders in the literature. This variant has not been identified in the general population by the Genome Aggregation Database (gnomAD). The available evidence is insufficient to determine the role of this variant in disease conclusively. Therefore, this variant is classified as a Variant of Uncertain Significance.

This study involves interpretation of variants in research participants for the purpose of population health screening. Participant phenotype was not available at the time of variant classification. Additional details can be found in publication PMID: 35346344, PMCID: PMC8962531

Sema4
Classification: Uncertain significance for Hereditary cancer-predisposing syndrome. Last evaluated: 2021-12-21. Review status: criteria provided, single submitter. Criteria: Sema4 Curation Guidelines. Collection method: curation. Allele origin: germline.
Comment: The BRCA1 c.4973C>T (p.Thr1658Ile) variant has not been reported in the literature to our knowledge. This variant is not reported in the population database Genome Aggregation Database (PMID: 32461654). This variant has not been reported in ClinVar. In silico tools suggest the impact of the variant on protein function is deleterious, though these predictions have not been confirmed by functional studies. The evidence is insufficient to meet ACMG/AMP criteria for classifying the variant as benign or pathogenic. Thus, the clinical significance of this variant is currently uncertain.

Literature cited by the submitters: PubMed 35196514 (cited by Ambry Genetics).